The following is an entry in ClinVar:

NM_001348716.2(KDM6B):c.563A>G (p.Tyr188Cys)

Gene: KDM6B (lysine demethylase 6B; plus strand). Cytogenetic location: 17p13.1.
Variant type: single nucleotide variant.
Coding change: c.563A>G on transcript NM_001348716.2 (MANE Select); coding-DNA position 563, A replaced by G.
Protein change: p.Tyr188Cys; replaces tyrosine 188 with cysteine.
Molecular consequence: missense variant.
Genome position (GRCh38, 1-based): chr17:7,846,592, A>G. VCF-style: chr17-7846592-A-G. GRCh37 (hg19) VCF-style: chr17-7749910-A-G.
Other names: c.563A>G, p.Tyr188Cys (NM_001080424.2); short protein forms Y188C.
Identifiers: ClinVar variation 2635920 (VCV002635920.1), dbSNP rs1425263278, ClinGen allele CA397912994.
Genomic context (GRCh38, chr17:7,846,592, plus strand): 5'-CTGTGCCTGCACCCGTGCCATTTTCTCTTCTCTCTTTTTGTTCTCAGCACAAACGGAACT[A>G]TGGAGCCAAGCGGGGAGGTCCCCCGGTGAAGCGAGCTGCTGAACCCCCAGTGGTGCAGCC-3'
Protein context (NP_001335645.1, residues 178-198): NLLHLEHKRN[Tyr188Cys]GAKRGGPPVK

ClinVar aggregate classification (germline): Uncertain significance (1 of 4 stars; one submission).

Conditions:
KDM6B-related disorder. Also called: KDM6B-related condition.

Allele frequency attached by ClinVar (database versions not stated): gnomAD exomes below 0.00001; gnomAD 0.00002; TOPMed 0.00002.

Submission:

PreventionGenetics, part of Exact Sciences
Classification: Uncertain significance for KDM6B-related condition. Last evaluated: 2023-09-29. Review status: criteria provided, single submitter. Criteria: ACMG Guidelines, 2015. Collection method: clinical testing. Allele origin: germline.
Comment: The KDM6B c.563A>G variant is predicted to result in the amino acid substitution p.Tyr188Cys. To our knowledge, this variant has not been reported in the literature or in a large population database, indicating this variant is rare. At this time, the clinical significance of this variant is uncertain due to the absence of conclusive functional and genetic evidence.